The following is an entry in ClinVar:

ClinVar aggregate classification (germline): Conflicting classifications of pathogenicity. Review status: criteria provided, conflicting classifications (1 of 4 stars). 7 submissions from 7 submitters: Uncertain significance (4); Likely benign (1). 2 of the submissions do not count toward it. Last evaluated 2025-10-20.

Conditions:
Cardiovascular phenotype. Identifiers: MedGen CN230736.
Brugada syndrome 8 (BRGDA8). Identifiers: Orphanet 130, MedGen C2751083, MONDO:0013148, OMIM 613123.

Allele frequency attached by ClinVar (database versions not stated): gnomAD 0.00003; gnomAD exomes 0.00003; TOPMed 0.00004; ExAC 0.00006; ESP Exome Variant Server 0.00009.
gnomAD v4.1: 38 of 1,537,664 alleles (0.0025%); highest among the groups gnomAD compares: Admixed American, 0.01%; no homozygotes.

Submissions (7):

Labcorp Genetics (formerly Invitae), Labcorp
Classification: Uncertain significance for Brugada syndrome 8. Last evaluated: 2025-10-20. Review status: criteria provided, single submitter. Criteria: Invitae Variant Classification Sherloc (09022015). Collection method: clinical testing. Allele origin: germline.
Comment: This sequence change replaces arginine, which is basic and polar, with histidine, which is basic and polar, at codon 934 of the HCN4 protein (p.Arg934His). The frequency data for this variant in the population databases is considered unreliable, as metrics indicate poor data quality at this position in the gnomAD database. This variant has not been reported in the literature in individuals affected with HCN4-related conditions. ClinVar contains an entry for this variant (Variation ID: 198819). Invitae Evidence Modeling of protein sequence and biophysical properties (such as structural, functional, and spatial information, amino acid conservation, physicochemical variation, residue mobility, and thermodynamic stability) indicates that this missense variant is not expected to disrupt HCN4 protein function with a negative predictive value of 95%. In summary, the available evidence is currently insufficient to determine the role of this variant in disease. Therefore, it has been classified as a Variant of Uncertain Significance.

Ambry Genetics
Classification: Uncertain significance for Cardiovascular phenotype. Last evaluated: 2024-12-19. Review status: criteria provided, single submitter. Criteria: Ambry Variant Classification Scheme 2023. Collection method: clinical testing. Allele origin: germline.
Comment: The p.R934H variant (also known as c.2801G>A), located in coding exon 8 of the HCN4 gene, results from a G to A substitution at nucleotide position 2801. The arginine at codon 934 is replaced by histidine, an amino acid with highly similar properties. A functional assay suggested this alteration has no impact on protein function (Jou CJ et al. Cell Physiol Biochem, 2017 Aug;42:2021-2029). This amino acid position is well conserved in available vertebrate species. In addition, this alteration is predicted to be tolerated by in silico analysis. Since supporting evidence is limited at this time, the clinical significance of this alteration remains unclear.

Blueprint Genetics
Classification: Likely benign. Last evaluated: 2024-06-10. Review status: criteria provided, single submitter. Criteria: ACMG Guidelines, 2015. Collection method: clinical testing. Allele origin: germline.

GeneDx
Classification: Uncertain significance. Last evaluated: 2023-05-15. Review status: criteria provided, single submitter. Criteria: GeneDx Variant Classification Process June 2021. Collection method: clinical testing. Allele origin: germline. Affected: yes.
Comment: Has not been previously published in association with HCN4-related disease as pathogenic or benign to our knowledge; Using this variant as a control, functional studies indicate that it does not differ significantly from wildtype (Jou et al., 2017); In silico analysis supports that this missense variant does not alter protein structure/function; This variant is associated with the following publications: (PMID: 28803248)

Eurofins Ntd Llc (ga)
Classification: Uncertain significance. Last evaluated: 2014-11-04. Review status: criteria provided, single submitter. Criteria: EGL Classification Definitions 2015. Collection method: clinical testing. Allele origin: germline. Observed: 1 variant allele, 1 heterozygote.

Clinical Genetics, Academic Medical Center
Classification: Uncertain significance. Review status: no assertion criteria provided. Collection method: clinical testing. Allele origin: germline. Affected: yes. Study: VKGL Data-share Consensus. Not counted in ClinVar's aggregate classification.

Diagnostic Laboratory, Department of Genetics, University Medical Center Groningen
Classification: Uncertain significance. Review status: no assertion criteria provided. Collection method: clinical testing. Allele origin: germline. Affected: yes. Study: VKGL Data-share Consensus. Not counted in ClinVar's aggregate classification.

Literature cited by the submitters: PubMed 28803248 (cited by Ambry Genetics).

NM_005477.3(HCN4):c.2801G>A (p.Arg934His)

Gene: HCN4 (hyperpolarization activated cyclic nucleotide gated potassium channel 4; minus strand). Cytogenetic location: 15q24.1.
Variant type: single nucleotide variant.
Coding change: c.2801G>A on transcript NM_005477.3 (MANE Select); coding-DNA position 2801, G replaced by A.
Protein change: p.Arg934His; replaces arginine 934 with histidine.
Molecular consequence: missense variant.
Genome position (GRCh38, 1-based): chr15:73,323,292, C>T on the plus strand (G>A on the coding strand, the complement: HCN4 is on the minus strand). VCF-style: chr15-73323292-C-T. GRCh37 (hg19) VCF-style: chr15-73615633-C-T.
Other names: short protein forms R934H.
Identifiers: ClinVar variation 198819 (VCV000198819.20), dbSNP rs369485237, ClinGen allele CA247655.
Genomic context (GRCh38, chr15:73,323,292, plus strand): 5'-AGTCCCAGGCCTCCCCGGGCCCCGGGTGGCGCGGGAGATGGCTGGGCAGCCTGCGGGGAG[C>T]GGGCGCCTGGCTGCAGCGGGGTGAGCAGGGGAGAGTCGGAGGAGGACAGGGAGCCACCCA-3'
Protein context (NP_005468.1, residues 924-944): PLLTPLQPGA[Arg934His]SPQAAQPSPA